The following is an entry in ClinVar:

ClinVar aggregate classification (germline): Likely benign (1 of 4 stars; one submission).

Conditions:
DTNBP1-related disorder. Also called: DTNBP1-related condition.

Submission:

PreventionGenetics, part of Exact Sciences
Classification: Likely benign for DTNBP1-related condition. Last evaluated: 2024-11-06. Review status: criteria provided, single submitter. Criteria: ACMG Guidelines, 2015. Collection method: clinical testing. Allele origin: germline.
Comment: This variant is classified as likely benign based on ACMG/AMP sequence variant interpretation guidelines (Richards et al. 2015 PMID: 25741868, with internal and published modifications).

NM_032122.5(DTNBP1):c.489-10_489-8del

Gene: DTNBP1 (dystrobrevin binding protein 1; minus strand). Cytogenetic location: 6p22.3.
Variant type: Deletion.
Coding change: c.489-10_489-8del on transcript NM_032122.5 (MANE Select); 10 bases into the intron before coding-DNA position 489 through 8 bases into the intron before coding-DNA position 489, 3 bases deleted (TTT; older notation c.489-10_489-8delTTT).
Molecular consequence: intron variant.
Genome position (GRCh38, 1-based): chr6:15,593,089-15,593,091, AAA deleted on the plus strand (TTT on the coding strand, the reverse complement: DTNBP1 is on the minus strand); deleting any 3 consecutive bases within chr6:15,593,089-15,593,102 gives the same sequence; the c. name uses the placement nearest the transcript's 3' end. VCF-style (leftmost placement, unchanged base first): chr6-15593088-GAAA-G. GRCh37 (hg19) VCF-style: chr6-15593319-GAAA-G.
Other names: c.384-10_384-8del (NM_001271669.2); c.438-10_438-8del (NM_001271668.2); c.246-10_246-8del (NM_001271667.2); c.489-10_489-8del (NM_183040.2).
Identifiers: ClinVar variation 4981831 (VCV004981831.1).